The following is an entry in ClinVar:

ClinVar aggregate classification (germline): Benign/Likely benign. Review status: criteria provided, multiple submitters, no conflicts (2 of 4 stars). 5 submissions from 5 submitters: Benign (1); Likely benign (4). Last evaluated 2025-06-10.

Conditions:
Hereditary cancer-predisposing syndrome. Also called: Hereditary neoplastic syndrome; Hereditary Cancer Syndrome; Tumor predisposition; Neoplastic Syndromes, Hereditary. Identifiers: Orphanet 140162, MedGen C0027672, MeSH D009386, MONDO:0015356.
Von Hippel-Lindau syndrome (VHLS). Also called: Von Hippel-Lindau; von Hippel–Lindau syndrome; VHL syndrome. Identifiers: Orphanet 892, MedGen C0019562, MONDO:0008667, OMIM 193300. Disease mechanism: loss of function.
Chuvash polycythemia. Also called: POLYCYTHEMIA, VHL-DEPENDENT. Identifiers: Orphanet 238557, MedGen C1837915, MONDO:0009892, OMIM 263400.

Allele frequency attached by ClinVar (database versions not stated): gnomAD 0.00001.

Submissions (5):

Myriad Genetics, Inc.
Classification: Benign for Von Hippel-Lindau syndrome. Last evaluated: 2025-06-10. Review status: criteria provided, single submitter. Criteria: Myriad Autosomal Dominant, Autosomal Recessive and X-Linked Classification Criteria (2023). Collection method: clinical testing. Allele origin: unknown.
Comment: This variant is considered benign. This variant is a silent/synonymous amino acid change and it is not expected to impact splicing.

Labcorp Genetics (formerly Invitae), Labcorp
Classification: Likely benign for Von Hippel-Lindau syndrome; Chuvash polycythemia. Last evaluated: 2025-03-25. Review status: criteria provided, single submitter. Criteria: Invitae Variant Classification Sherloc (09022015). Collection method: clinical testing. Allele origin: germline.

All of Us Research Program, National Institutes of Health
Classification: Likely benign for Von Hippel-Lindau syndrome. Last evaluated: 2023-08-23. Review status: criteria provided, single submitter. Criteria: ACMG Guidelines, 2015. Collection method: clinical testing. Allele origin: germline. Inheritance: Autosomal dominant inheritance. Observed: 1 variant allele, 1 heterozygote.
Comment: This study involves interpretation of variants in research participants for the purpose of population health screening. Participant phenotype was not available at the time of variant classification. Additional details can be found in publication PMID: 35346344, PMCID: PMC8962531

Color Diagnostics, LLC DBA Color Health
Classification: Likely benign for Von Hippel-Lindau syndrome. Last evaluated: 2022-11-06. Review status: criteria provided, single submitter. Criteria: ACMG Guidelines, 2015. Collection method: clinical testing. Allele origin: germline.

Ambry Genetics
Classification: Likely benign for Hereditary cancer-predisposing syndrome. Last evaluated: 2021-08-03. Review status: criteria provided, single submitter. Criteria: Ambry Variant Classification Scheme 2023. Collection method: clinical testing. Allele origin: germline.

NM_000551.4(VHL):c.171G>A (p.Gly57=)

Gene: VHL (von Hippel-Lindau tumor suppressor; plus strand). Cytogenetic location: 3p25.3.
Variant type: single nucleotide variant.
Coding change: c.171G>A on transcript NM_000551.4 (MANE Select); coding-DNA position 171, G replaced by A.
Protein change: p.Gly57=; no amino-acid change (glycine 57 retained).
Molecular consequence: synonymous variant.
Genome position (GRCh38, 1-based): chr3:10,142,018, G>A. VCF-style: chr3-10142018-G-A. GRCh37 (hg19) VCF-style: chr3-10183702-G-A.
Other names: c.171G>A, p.Gly57= (NM_001354723.2, NM_198156.3).
Identifiers: ClinVar variation 1664000 (VCV001664000.13), dbSNP rs750103719, ClinGen allele CA432536369.